The following is an entry in ClinVar:

NM_000135.4(FANCA):c.1691T>C (p.Ile564Thr)

Gene: FANCA (FA complementation group A; minus strand). Cytogenetic location: 16q24.3.
Variant type: single nucleotide variant.
Coding change: c.1691T>C on transcript NM_000135.4 (MANE Select); coding-DNA position 1691, T replaced by C.
Protein change: p.Ile564Thr; replaces isoleucine 564 with threonine.
Molecular consequence: missense variant.
Genome position (GRCh38, 1-based): chr16:89,779,893, A>G on the plus strand (T>C on the coding strand, the complement: FANCA is on the minus strand). VCF-style: chr16-89779893-A-G. GRCh37 (hg19) VCF-style: chr16-89846301-A-G.
Other names: c.1691T>C (LRG_495t1); c.1691T>C, p.Ile564Thr (NM_001286167.3); short protein forms I564T.
Identifiers: ClinVar variation 579221 (VCV000579221.8), dbSNP rs769842591, ClinGen allele CA397455970.

ClinVar aggregate classification (germline): Uncertain significance (1 of 4 stars; one submission).

Conditions:
Fanconi anemia (FA). Also called: Fanconi's anemia. Identifiers: Orphanet 84, MedGen C0015625, MeSH D005199, MONDO:0019391.

Submission:

Labcorp Genetics (formerly Invitae), Labcorp
Classification: Uncertain significance for Fanconi anemia. Last evaluated: 2018-03-20. Review status: criteria provided, single submitter. Criteria: Invitae Variant Classification Sherloc (09022015). Collection method: clinical testing. Allele origin: germline.
Comment: This sequence change replaces isoleucine with threonine at codon 564 of the FANCA protein (p.Ile564Thr). The isoleucine residue is highly conserved and there is a moderate physicochemical difference between isoleucine and threonine. This variant is not present in population databases (ExAC no frequency). This variant has not been reported in the literature in individuals with FANCA-related disease. Algorithms developed to predict the effect of missense changes on protein structure and function do not agree on the potential impact of this missense change (SIFT: "Deleterious"; PolyPhen-2: "Benign"; Align-GVGD: "Class C0"). In summary, the available evidence is currently insufficient to determine the role of this variant in disease. Therefore, it has been classified as a Variant of Uncertain Significance.